The following is an entry in ClinVar:

ClinVar aggregate classification (germline): Uncertain significance (1 of 4 stars; one submission).

Submission:

Dasa
Classification: Uncertain significance. Last evaluated: 2025-06-12. Review status: criteria provided, single submitter. Criteria: DASA Assertion Criteria. Collection method: clinical testing. Allele origin: germline.
Comment: NM_003076.5(SMARCD1):c.1056G>A (p.Met352Ile) is a missense variant that results in the substitution of methionine with isoleucine. This variant is absent from population databases. Computational prediction algorithms are consistent with a benign effect. The currently available literature and clinical evidence are not sufficient to establish a definitive association between this variant and the reported condition. Therefore, this variant is classified as a variant of uncertain significance.

NM_003076.5(SMARCD1):c.1056G>A (p.Met352Ile)

Gene: SMARCD1 (SWI/SNF related BAF chromatin remodeling complex subunit D1; plus strand). Cytogenetic location: 12q13.12.
Variant type: single nucleotide variant.
Coding change: c.1056G>A on transcript NM_003076.5 (MANE Select); coding-DNA position 1056, G replaced by A.
Protein change: p.Met352Ile; replaces methionine 352 with isoleucine.
Molecular consequence: missense variant.
Genome position (GRCh38, 1-based): chr12:50,090,513, G>A. VCF-style: chr12-50090513-G-A. GRCh37 (hg19) VCF-style: chr12-50484296-G-A.
Other names: c.1056G>A, p.Met352Ile (NM_139071.3); short protein forms M352I.
Identifiers: ClinVar variation 4882757 (VCV004882757.2).